The following is an entry in ClinVar:

ClinVar aggregate classification (germline): Conflicting classifications of pathogenicity. Review status: criteria provided, conflicting classifications (1 of 4 stars). 3 submissions from 2 submitters: Uncertain significance (1); Benign (1); Likely benign (1). Last evaluated 2025-07-14.

Conditions:
Brachydactyly type B1 (BDB1). Identifiers: Orphanet 572385, Orphanet 93383, MedGen C1862112, MONDO:0007220, OMIM 113000.
Autosomal recessive Robinow syndrome (RRS1). Also called: COSTOVERTEBRAL SEGMENTATION DEFECT WITH MESOMELIA; COVESDEM SYNDROME; ROR2-Related Robinow Syndrome; ROBINOW SYNDROME, AUTOSOMAL RECESSIVE 1. Identifiers: Orphanet 1507, Orphanet 97360, MedGen C5399974, MONDO:0009999, OMIM 268310.

Allele frequency attached by ClinVar (database versions not stated): gnomAD 0.00001 and 0.00005; TOPMed 0.00001; gnomAD exomes 0.00014; ExAC 0.00017; 1000 Genomes Project 0.00040; 1000 Genomes Project 30x 0.00047.
gnomAD v4.1: 110 of 1,610,832 alleles (0.0068%); highest among the groups gnomAD compares: South Asian, 0.092%; no homozygotes.

Submissions (3):

Labcorp Genetics (formerly Invitae), Labcorp
Classification: Likely benign. Last evaluated: 2025-07-14. Review status: criteria provided, single submitter. Criteria: Invitae Variant Classification Sherloc (09022015). Collection method: clinical testing. Allele origin: germline.

Illumina Laboratory Services, Illumina
Classification: Uncertain significance for Autosomal recessive Robinow syndrome. Last evaluated: 2018-01-13. Review status: criteria provided, single submitter. Criteria: ICSL Variant Classification Criteria 13 December 2019. Collection method: clinical testing. Allele origin: germline.

Illumina Laboratory Services, Illumina
Classification: Benign for Brachydactyly type B1. Last evaluated: 2018-01-13. Review status: criteria provided, single submitter. Criteria: ICSL Variant Classification Criteria 13 December 2019. Collection method: clinical testing. Allele origin: germline.
Comment: This variant was observed in the ICSL laboratory as part of a predisposition screen in an ostensibly healthy population. It had not been previously curated by ICSL or reported in the Human Gene Mutation Database (HGMD: prior to June 1st, 2018), and was therefore a candidate for classification through an automated scoring system. Utilizing variant allele frequency, disease prevalence and penetrance estimates, and inheritance mode, an automated score was calculated to assess if this variant is too frequent to cause the disease. Based on the score and internal cut-off values, a variant classified as benign is not then subjected to further curation. The score for this variant resulted in a classification of benign for this disease.

NM_004560.4(ROR2):c.2382G>A (p.Pro794=)

Gene: ROR2 (receptor tyrosine kinase like orphan receptor 2; minus strand). Cytogenetic location: 9q22.31.
Variant type: single nucleotide variant.
Coding change: c.2382G>A on transcript NM_004560.4 (MANE Select); coding-DNA position 2382, G replaced by A.
Protein change: p.Pro794=; no amino-acid change (proline 794 retained).
Molecular consequence: synonymous variant.
Genome position (GRCh38, 1-based): chr9:91,724,112, C>T on the plus strand (G>A on the coding strand, the complement: ROR2 is on the minus strand). VCF-style: chr9-91724112-C-T. GRCh37 (hg19) VCF-style: chr9-94486394-C-T.
Identifiers: ClinVar variation 914291 (VCV000914291.12), dbSNP rs532042443, ClinGen allele CA5120409.
Genomic context (GRCh38, chr9:91,724,112, plus strand): 5'-CGGGGGCACCATGGGTCTGATCTGGCCCTTCATGGGGATGAACTGGGGCTGTGGGAAGGG[C>T]GGGGCCTTCTGCTTGGGCCCCACGTAGCGGGCGTTGCTCACATTGCTCACTGGGCTGGTG-3'
Protein context (NP_004551.2, residues 784-804): ARYVGPKQKA[Pro794=]PFPQPQFIPM